The following is an entry in ClinVar:

ClinVar aggregate classification (germline): Uncertain significance. Review status: criteria provided, multiple submitters, no conflicts (2 of 4 stars). 3 submissions from 3 submitters: Uncertain significance (3). Last evaluated 2023-10-12.

Conditions:
Charcot-Marie-Tooth disease dominant intermediate C (CMTDIC). Also called: CHARCOT-MARIE-TOOTH NEUROPATHY, DOMINANT INTERMEDIATE C. Identifiers: Orphanet 100045, MedGen C1842237, MONDO:0012012, OMIM 608323.

Allele frequency attached by ClinVar (database versions not stated): gnomAD exomes 0.00001 and 0.00002; TOPMed 0.00001; ExAC 0.00002; gnomAD 0.00002.
gnomAD v4.1: 31 of 1,614,070 alleles (0.0019%); highest among the groups gnomAD compares: Non-Finnish European, 0.0026%; no homozygotes.

Submissions (3):

Mayo Clinic Laboratories, Mayo Clinic
Classification: Uncertain significance. Last evaluated: 2023-10-12. Review status: criteria provided, single submitter. Criteria: ACMG Guidelines, 2015. Collection method: clinical testing. Allele origin: germline. Observed: 1 variant allele.

Labcorp Genetics (formerly Invitae), Labcorp
Classification: Uncertain significance for Charcot-Marie-Tooth disease dominant intermediate C. Last evaluated: 2020-04-09. Review status: criteria provided, single submitter. Criteria: Invitae Variant Classification Sherloc (09022015). Collection method: clinical testing. Allele origin: germline.
Comment: This variant has not been reported in the literature in individuals with YARS-related conditions. ClinVar contains an entry for this variant (Variation ID: 451509). In summary, the available evidence is currently insufficient to determine the role of this variant in disease. Therefore, it has been classified as a Variant of Uncertain Significance. The current clinical and genetic evidence is not sufficient to establish whether loss-of-function variants in YARS cause disease. This variant is present in population databases (rs776952611, ExAC 0.004%). This sequence change creates a premature translational stop signal (p.Trp87*) in the YARS gene. It is expected to result in an absent or disrupted protein product.

GeneDx
Classification: Uncertain significance. Last evaluated: 2017-08-28. Review status: criteria provided, single submitter. Criteria: GeneDx Variant Classification (06012015). Collection method: clinical testing. Allele origin: germline. Affected: yes.
Comment: The W87X variant in the YARS gene has not been reported previously as a pathogenic variant nor as a benign variant, to our knowledge. This variant is predicted to cause loss of normal protein function either through protein truncation or nonsense-mediated mRNA decay. The W87X is observed in 3/66,740 alleles (0.0045%) from individuals of non-Finnish European background in the ExAC dataset, with no homozygous control individuals reported (Lek et al., 2016). We interpret W87X as a variant of uncertain significance.

NM_003680.4(YARS1):c.260G>A (p.Trp87Ter)

Gene: YARS1 (tyrosyl-tRNA synthetase 1; minus strand). Cytogenetic location: 1p35.1.
Variant type: single nucleotide variant.
Coding change: c.260G>A on transcript NM_003680.4 (MANE Select); coding-DNA position 260, G replaced by A.
Protein change: p.Trp87Ter; replaces tryptophan 87 with a stop codon.
Molecular consequence: nonsense.
Genome position (GRCh38, 1-based): chr1:32,810,711, C>T on the plus strand (G>A on the coding strand, the complement: YARS1 is on the minus strand). VCF-style: chr1-32810711-C-T. GRCh37 (hg19) VCF-style: chr1-33276312-C-T.
Other names: p.Trp87*; short protein forms W87*.
Identifiers: ClinVar variation 451509 (VCV000451509.10), dbSNP rs776952611, ClinGen allele CA745239.
Genomic context (GRCh38, chr1:32,810,711, plus strand): 5'-CTCTCCAGCATTGCTTTGATCACATTCTCATAGTAACTGACTCGGAGTTCTAGAAGTTCC[C>T]ATGGGGCTTTCATGTTATCCAGGTATGCGTGGAGGTCCGCAAACAGAATTGTTACCTGGA-3'